The following is an entry in ClinVar:

ClinVar aggregate classification (germline): Uncertain significance. Review status: criteria provided, multiple submitters, no conflicts (2 of 4 stars). 2 submissions from 2 submitters: Uncertain significance (2). Last evaluated 2022-06-24.

Conditions:
Neurofibromatosis, type 1 (NF1). Also called: Neurofibromatosis, type I; VON RECKLINGHAUSEN DISEASE; Peripheral type neurofibromatosis; NEUROFIBROMATOSIS, TYPE I, SOMATIC. Identifiers: Orphanet 636, MedGen C0027831, MONDO:0018975, OMIM 162200. Disease mechanism: loss of function.
Cardiovascular phenotype. Identifiers: MedGen CN230736.
Hereditary cancer-predisposing syndrome. Also called: Neoplastic Syndromes, Hereditary; Hereditary Cancer Syndrome; Hereditary neoplastic syndrome; Tumor predisposition. Identifiers: Orphanet 140162, MedGen C0027672, MeSH D009386, MONDO:0015356.

Submissions (2):

Ambry Genetics
Classification: Uncertain significance for Cardiovascular phenotype; Hereditary cancer-predisposing syndrome. Last evaluated: 2022-06-24. Review status: criteria provided, single submitter. Criteria: Ambry Variant Classification Scheme 2023. Collection method: clinical testing. Allele origin: germline.
Comment: The p.G1678D variant (also known as c.5033G>A), located in coding exon 36 of the NF1 gene, results from a G to A substitution at nucleotide position 5033. The glycine at codon 1678 is replaced by aspartic acid, an amino acid with similar properties. This amino acid position is conserved. In addition, this alteration is predicted to be deleterious by in silico analysis. Since supporting evidence is limited at this time, the clinical significance of this alteration remains unclear.

Labcorp Genetics (formerly Invitae), Labcorp
Classification: Uncertain significance for Neurofibromatosis, type 1. Last evaluated: 2021-05-09. Review status: criteria provided, single submitter. Criteria: Invitae Variant Classification Sherloc (09022015). Collection method: clinical testing. Allele origin: germline.
Comment: In summary, the available evidence is currently insufficient to determine the role of this variant in disease. Therefore, it has been classified as a Variant of Uncertain Significance. Algorithms developed to predict the effect of missense changes on protein structure and function are either unavailable or do not agree on the potential impact of this missense change (SIFT: "Tolerated"; PolyPhen-2: "Probably Damaging"; Align-GVGD: "Class C0"). This variant has not been reported in the literature in individuals with NF1-related conditions. This variant is not present in population databases (ExAC no frequency). This sequence change replaces glycine with aspartic acid at codon 1678 of the NF1 protein (p.Gly1678Asp). The glycine residue is moderately conserved and there is a moderate physicochemical difference between glycine and aspartic acid.

NM_001042492.3(NF1):c.5096G>A (p.Gly1699Asp)

Gene: NF1 (neurofibromin 1; plus strand). Cytogenetic location: 17q11.2.
Variant type: single nucleotide variant.
Coding change: c.5096G>A on transcript NM_001042492.3 (MANE Select); coding-DNA position 5096, G replaced by A.
Protein change: p.Gly1699Asp; replaces glycine 1699 with aspartic acid.
Molecular consequence: missense variant.
Genome position (GRCh38, 1-based): chr17:31,326,080, G>A. VCF-style: chr17-31326080-G-A. GRCh37 (hg19) VCF-style: chr17-29653098-G-A.
Other names: c.5033G>A, p.Gly1678Asp (NM_000267.4); short protein forms G1678D, G1699D.
Identifiers: ClinVar variation 851754 (VCV000851754.9), dbSNP rs2069333669, ClinGen allele CA399007565.